The following is an entry in ClinVar:

ClinVar aggregate classification (germline): Uncertain significance (1 of 4 stars; one submission).

Conditions:
Cornelia de Lange syndrome 3 (CDLS3). Also called: SMC3-Related Cornelia de Lange Syndrome; CORNELIA DE LANGE SYNDROME 3 WITH OR WITHOUT MIDLINE BRAIN DEFECTS. Identifiers: Orphanet 199, MedGen C1853099, MONDO:0012555, OMIM 610759.

gnomAD v4.1: 3 of 1,614,076 alleles (0.00019%); highest among the groups gnomAD compares: South Asian, 0.0033%; no homozygotes.

Submission:

Labcorp Genetics (formerly Invitae), Labcorp
Classification: Uncertain significance for Cornelia de Lange syndrome 3. Last evaluated: 2024-11-27. Review status: criteria provided, single submitter. Criteria: Invitae Variant Classification Sherloc (09022015). Collection method: clinical testing. Allele origin: germline.
Comment: This sequence change replaces serine, which is neutral and polar, with threonine, which is neutral and polar, at codon 1085 of the SMC3 protein (p.Ser1085Thr). This variant is present in population databases (rs760275709, gnomAD 0.003%). This variant has not been reported in the literature in individuals affected with SMC3-related conditions. Invitae Evidence Modeling of protein sequence and biophysical properties (such as structural, functional, and spatial information, amino acid conservation, physicochemical variation, residue mobility, and thermodynamic stability) has been performed for this missense variant. However, the output from this modeling did not meet the statistical confidence thresholds required to predict the impact of this variant on SMC3 protein function. In summary, the available evidence is currently insufficient to determine the role of this variant in disease. Therefore, it has been classified as a Variant of Uncertain Significance.

NM_005445.4(SMC3):c.3254G>C (p.Ser1085Thr)

Gene: SMC3 (structural maintenance of chromosomes 3; plus strand). Cytogenetic location: 10q25.2.
Variant type: single nucleotide variant.
Coding change: c.3254G>C on transcript NM_005445.4 (MANE Select); coding-DNA position 3254, G replaced by C.
Protein change: p.Ser1085Thr; replaces serine 1085 with threonine.
Molecular consequence: missense variant.
Genome position (GRCh38, 1-based): chr10:110,602,622, G>C. VCF-style: chr10-110602622-G-C. GRCh37 (hg19) VCF-style: chr10-112362380-G-C.
Other names: short protein forms S1085T.
Identifiers: ClinVar variation 3648073 (VCV003648073.2).
Genomic context (GRCh38, chr10:110,602,622, plus strand): 5'-GTCAGTCTCAAGATGAAGGAGAAGGGAGTGGTGAGAGTGAGAGGGGTTCTGGCTCACAAA[G>C]CAGTGTCCCATCAGTTGACCAGTTTACTGGAGTTGGAATTAGGGTAAAATACCTTTATAT-3'
Protein context (NP_005436.1, residues 1075-1095): GESERGSGSQ[Ser1085Thr]SVPSVDQFTG